The following is an entry in ClinVar:

ClinVar aggregate classification (germline): Uncertain significance. Review status: criteria provided, multiple submitters, no conflicts (2 of 4 stars). 2 submissions from 2 submitters: Uncertain significance (2). Last evaluated 2024-04-25.

Conditions:
Inborn genetic diseases. Identifiers: MedGen C0950123, MeSH D030342.
Charcot-Marie-Tooth disease type 4. Also called: Charcot-Marie-Tooth disease, type IV; Charcot-Marie-Tooth, Type 4. Identifiers: Orphanet 64749, MedGen C4082197, MONDO:0018995.

Allele frequency attached by ClinVar (database versions not stated): gnomAD exomes 0.00003; TOPMed 0.00003; ExAC 0.00004; gnomAD 0.00004 and 0.00005; 1000 Genomes Project 30x 0.00016; 1000 Genomes Project 0.00020.

Submissions (2):

Labcorp Genetics (formerly Invitae), Labcorp
Classification: Uncertain significance for Charcot-Marie-Tooth disease type 4. Last evaluated: 2024-04-25. Review status: criteria provided, single submitter. Criteria: Invitae Variant Classification Sherloc (09022015). Collection method: clinical testing. Allele origin: germline.
Comment: This sequence change replaces valine, which is neutral and non-polar, with isoleucine, which is neutral and non-polar, at codon 156 of the PRX protein (p.Val156Ile). This variant is present in population databases (rs562267802, gnomAD 0.009%). This variant has not been reported in the literature in individuals affected with PRX-related conditions. ClinVar contains an entry for this variant (Variation ID: 857889). An algorithm developed to predict the effect of missense changes on protein structure and function (PolyPhen-2) suggests that this variant¬†is likely to be tolerated. In summary, the available evidence is currently insufficient to determine the role of this variant in disease. Therefore, it has been classified as a Variant of Uncertain Significance.

Ambry Genetics
Classification: Uncertain significance for Inborn genetic diseases. Last evaluated: 2023-11-29. Review status: criteria provided, single submitter. Criteria: Ambry Variant Classification Scheme 2023. Collection method: clinical testing. Allele origin: germline.

NM_181882.3(PRX):c.466G>A (p.Val156Ile)

Gene: PRX (periaxin; minus strand). Cytogenetic location: 19q13.2.
Variant type: single nucleotide variant.
Coding change: c.466G>A on transcript NM_181882.3 (MANE Select); coding-DNA position 466, G replaced by A.
Protein change: p.Val156Ile; replaces valine 156 with isoleucine.
Molecular consequence: missense variant. On other transcripts: 3 prime UTR variant (1).
Genome position (GRCh38, 1-based): chr19:40,397,886, C>T on the plus strand (G>A on the coding strand, the complement: PRX is on the minus strand). VCF-style: chr19-40397886-C-T. GRCh37 (hg19) VCF-style: chr19-40903793-C-T.
Other names: c.*671G>A (NM_020956.2); short protein forms V156I.
Identifiers: ClinVar variation 857889 (VCV000857889.8), dbSNP rs562267802, ClinGen allele CA9444452.
Genomic context (GRCh38, chr19:40,397,886, plus strand): 5'-TGACAGCCTCGGCTTTGAGGCCCCGACGCAGGCGGGAGAACTTGGGAAAGGAGAACTCGA[C>T]GTCAACAGGGGCCAGGTCAGCGGGGACCCCCAGAGCCCCAGGCACCATCTTCTTCTTCTT-3'
Protein context (NP_870998.2, residues 146-166): GVPADLAPVD[Val156Ile]EFSFPKFSRL